The following is an entry in ClinVar:

ClinVar aggregate classification (germline): Benign. Review status: criteria provided, multiple submitters, no conflicts (2 of 4 stars). 3 submissions from 3 submitters: Benign (2). 1 of the submissions does not count toward it. Last evaluated 2019-01-10.

Conditions:
MFSD12 POLYMORPHISM.

Allele frequency attached by ClinVar (database versions not stated): gnomAD 0.07443; TOPMed 0.07460; 1000 Genomes Project 0.08367; 1000 Genomes Project 30x 0.08916.

Submissions (3):

GeneDx
Classification: Benign. Last evaluated: 2019-01-10. Review status: criteria provided, single submitter. Criteria: GeneDx Variant Classification Process June 2021. Collection method: clinical testing. Allele origin: germline. Affected: yes.
Comment: This variant is associated with the following publications: (PMID: 29025994)

Breakthrough Genomics
Classification: Benign. Review status: criteria provided, single submitter. Criteria: ACMG Guidelines, 2015. Collection method: not provided. Allele origin: germline. Inheritance: Unknown mechanism. Affected: yes.

OMIM
Classification: Benign for MFSD12 POLYMORPHISM. Last evaluated: 2020-02-03. Review status: no assertion criteria provided. Collection method: literature only. Allele origin: germline. Not counted in ClinVar's aggregate classification.

Literature cited by the submitters: PubMed 31949055 (cited by OMIM).

NM_174983.5(MFSD12):c.1290-85G>A

Gene: MFSD12 (major facilitator superfamily domain containing 12; minus strand). Cytogenetic location: 19p13.3.
Variant type: single nucleotide variant.
Coding change: c.1290-85G>A on transcript NM_174983.5 (MANE Select); 85 bases into the intron before coding-DNA position 1290, G replaced by A.
Molecular consequence: intron variant.
Genome position (GRCh38, 1-based): chr19:3,545,024, C>T on the plus strand (G>A on the coding strand, the complement: MFSD12 is on the minus strand). VCF-style: chr19-3545024-C-T. GRCh37 (hg19) VCF-style: chr19-3545022-C-T.
Other names: IVS8, T-C (rs10424065); c.1263-85G>A (NM_001287529.2).
Identifiers: ClinVar variation 492942 (VCV000492942.6), dbSNP rs10424065, ClinGen allele CA14710048.